The following is an entry in ClinVar:

ClinVar aggregate classification (germline): Uncertain significance (1 of 4 stars; one submission).

Conditions:
Primary ciliary dyskinesia. Also called: Ciliary dyskinesia. Identifiers: Orphanet 244, MedGen C0008780, MONDO:0016575, HP:0012265.

Allele frequency attached by ClinVar (database versions not stated): TOPMed below 0.00001; gnomAD 0.00001.
gnomAD v4.1: 1 of 1,614,034 alleles (0.000062%); highest among the groups gnomAD compares: African/African-American, 0.0013%; no homozygotes.

Submission:

Labcorp Genetics (formerly Invitae), Labcorp
Classification: Uncertain significance for Primary ciliary dyskinesia. Last evaluated: 2022-02-10. Review status: criteria provided, single submitter. Criteria: Invitae Variant Classification Sherloc (09022015). Collection method: clinical testing. Allele origin: germline.
Comment: This sequence change replaces lysine, which is basic and polar, with asparagine, which is neutral and polar, at codon 4105 of the DNAH8 protein (p.Lys4105Asn). This variant is not present in population databases (gnomAD no frequency). This variant has not been reported in the literature in individuals affected with DNAH8-related conditions. ClinVar contains an entry for this variant (Variation ID: 936160). Algorithms developed to predict the effect of missense changes on protein structure and function are either unavailable or do not agree on the potential impact of this missense change (SIFT: "Deleterious"; PolyPhen-2: "Not Available"; Align-GVGD: "Class C0"). In summary, the available evidence is currently insufficient to determine the role of this variant in disease. Therefore, it has been classified as a Variant of Uncertain Significance.

NM_001206927.2(DNAH8):c.12315G>T (p.Lys4105Asn)

Genes: DNAH8 (dynein axonemal heavy chain 8; plus strand), DNAH8-AS1 (DNAH8 antisense RNA 1; minus strand). Cytogenetic location: 6p21.2.
Variant type: single nucleotide variant.
Coding change: c.12315G>T on transcript NM_001206927.2 (MANE Select); coding-DNA position 12315, G replaced by T.
Protein change: p.Lys4105Asn; replaces lysine 4105 with asparagine.
Molecular consequence: missense variant.
Genome position (GRCh38, 1-based): chr6:38,951,384, G>T. VCF-style: chr6-38951384-G-T. GRCh37 (hg19) VCF-style: chr6-38919160-G-T.
Other names: c.11664G>T, p.Lys3888Asn (NM_001371.4); short protein forms K3888N, K4105N.
Identifiers: ClinVar variation 936160 (VCV000936160.10), dbSNP rs994663754, ClinGen allele CA363996779.